The following is an entry in ClinVar:

NM_000208.4(INSR):c.585C>G (p.Asn195Lys)

Gene: INSR (insulin receptor; minus strand). Cytogenetic location: 19p13.2.
Variant type: single nucleotide variant.
Coding change: c.585C>G on transcript NM_000208.4 (MANE Select); coding-DNA position 585, C replaced by G.
Protein change: p.Asn195Lys; replaces asparagine 195 with lysine.
Molecular consequence: missense variant.
Genome position (GRCh38, 1-based): chr19:7,267,412, G>C on the plus strand (C>G on the coding strand, the complement: INSR is on the minus strand). VCF-style: chr19-7267412-G-C. GRCh37 (hg19) VCF-style: chr19-7267423-G-C.
Other names: c.585C>G, p.Asn195Lys (NM_001079817.3); short protein forms N195K.
Identifiers: ClinVar variation 4275778 (VCV004275778.2).

ClinVar aggregate classification (germline): Uncertain significance. Review status: criteria provided, multiple submitters, no conflicts (2 of 4 stars). 2 submissions from 2 submitters: Uncertain significance (2). Last evaluated 2025-09-27.

Conditions:
Inborn genetic diseases. Identifiers: MedGen C0950123, MeSH D030342.

gnomAD v4.1: 11 of 1,614,062 alleles (0.00068%); highest among the groups gnomAD compares: Non-Finnish European, 0.00093%; no homozygotes.

Submissions (2):

Labcorp Genetics (formerly Invitae), Labcorp
Classification: Uncertain significance. Last evaluated: 2025-09-27. Review status: criteria provided, single submitter. Criteria: Invitae Variant Classification Sherloc (09022015). Collection method: clinical testing. Allele origin: germline.
Comment: This sequence change replaces asparagine, which is neutral and polar, with lysine, which is basic and polar, at codon 195 of the INSR protein (p.Asn195Lys). This variant is present in population databases (rs779769967, gnomAD 0.002%). This variant has not been reported in the literature in individuals affected with INSR-related conditions. Invitae Evidence Modeling of protein sequence and biophysical properties (such as structural, functional, and spatial information, amino acid conservation, physicochemical variation, residue mobility, and thermodynamic stability) indicates that this missense variant is not expected to disrupt INSR protein function with a negative predictive value of 95%. In summary, the available evidence is currently insufficient to determine the role of this variant in disease. Therefore, it has been classified as a Variant of Uncertain Significance.

Ambry Genetics
Classification: Uncertain significance for Inborn genetic diseases. Last evaluated: 2025-06-19. Review status: criteria provided, single submitter. Criteria: Ambry Variant Classification Scheme 2023. Collection method: clinical testing. Allele origin: germline.